The following is an entry in ClinVar:

NM_006231.4(POLE):c.328A>G (p.Lys110Glu)

Gene: POLE (DNA polymerase epsilon, catalytic subunit; minus strand). Cytogenetic location: 12q24.33.
Variant type: single nucleotide variant.
Coding change: c.328A>G on transcript NM_006231.4 (MANE Select); coding-DNA position 328, A replaced by G.
Protein change: p.Lys110Glu; replaces lysine 110 with glutamic acid.
Molecular consequence: missense variant.
Genome position (GRCh38, 1-based): chr12:132,680,180, T>C on the plus strand (A>G on the coding strand, the complement: POLE is on the minus strand). VCF-style: chr12-132680180-T-C. GRCh37 (hg19) VCF-style: chr12-133256766-T-C.
Other names: short protein forms K110E.
Identifiers: ClinVar variation 959060 (VCV000959060.13), dbSNP rs1361832143, ClinGen allele CA387368542.

ClinVar aggregate classification (germline): Uncertain significance. Review status: criteria provided, multiple submitters, no conflicts (2 of 4 stars). 2 submissions from 2 submitters: Uncertain significance (2). Last evaluated 2024-09-17.

Conditions:
Hereditary cancer-predisposing syndrome. Also called: Tumor predisposition; Hereditary neoplastic syndrome; Neoplastic Syndromes, Hereditary; Hereditary Cancer Syndrome. Identifiers: Orphanet 140162, MedGen C0027672, MeSH D009386, MONDO:0015356.

Allele frequency attached by ClinVar (database versions not stated): gnomAD exomes below 0.00001; TOPMed below 0.00001.
gnomAD v4.1: 2 of 1,614,094 alleles (0.00012%); highest among the groups gnomAD compares: Non-Finnish European, 0.00017%; no homozygotes.

Submissions (2):

Labcorp Genetics (formerly Invitae), Labcorp
Classification: Uncertain significance. Last evaluated: 2024-09-17. Review status: criteria provided, single submitter. Criteria: Invitae Variant Classification Sherloc (09022015). Collection method: clinical testing. Allele origin: germline.
Comment: This sequence change replaces lysine, which is basic and polar, with glutamic acid, which is acidic and polar, at codon 110 of the POLE protein (p.Lys110Glu). This variant is not present in population databases (gnomAD no frequency). This variant has not been reported in the literature in individuals affected with POLE-related conditions. ClinVar contains an entry for this variant (Variation ID: 959060). An algorithm developed to predict the effect of missense changes on protein structure and function (PolyPhen-2) suggests that this variant is likely to be tolerated. In summary, the available evidence is currently insufficient to determine the role of this variant in disease. Therefore, it has been classified as a Variant of Uncertain Significance.

Ambry Genetics
Classification: Uncertain significance for Hereditary cancer-predisposing syndrome. Last evaluated: 2024-05-01. Review status: criteria provided, single submitter. Criteria: Ambry Variant Classification Scheme 2023. Collection method: clinical testing. Allele origin: germline.
Comment: The p.K110E variant (also known as c.328A>G), located in coding exon 4 of the POLE gene, results from an A to G substitution at nucleotide position 328. The lysine at codon 110 is replaced by glutamic acid, an amino acid with similar properties. This amino acid position is conserved. In addition, this alteration is predicted to be tolerated by in silico analysis. Since supporting evidence is limited at this time, the clinical significance of this alteration remains unclear.